The following is an entry in ClinVar:

NM_004393.6(DAG1):c.2326C>T (p.Arg776Cys)

Gene: DAG1 (dystroglycan 1; plus strand). Cytogenetic location: 3p21.31.
Variant type: single nucleotide variant.
Coding change: c.2326C>T on transcript NM_004393.6 (MANE Select); coding-DNA position 2326, C replaced by T.
Protein change: p.Arg776Cys; replaces arginine 776 with cysteine.
Molecular consequence: missense variant.
Genome position (GRCh38, 1-based): chr3:49,532,837, C>T. VCF-style: chr3-49532837-C-T. GRCh37 (hg19) VCF-style: chr3-49570270-C-T.
Other names: c.2326C>T, p.Arg776Cys (NM_001165928.4, NM_001177634.3, NM_001177635.3 and 9 more transcripts); short protein forms R776C.
Identifiers: ClinVar variation 286590 (VCV000286590.13), dbSNP rs752441031, ClinGen allele CA2399247.

ClinVar aggregate classification (germline): Conflicting classifications of pathogenicity. Review status: criteria provided, conflicting classifications (1 of 4 stars). 4 submissions from 4 submitters: Likely pathogenic (1); Uncertain significance (3). Last evaluated 2024-12-23.

Conditions:
Muscular dystrophy-dystroglycanopathy (congenital with brain and eye anomalies), type A9. Also called: WALKER-WARBURG SYNDROME OR MUSCLE-EYE BRAIN DISEASE, DAG1-RELATED; Muscular dystrophy-dystroglycanopathy (congenital with brain and eye anomalies), type a, 9. Identifiers: Orphanet 370997, Orphanet 899, MedGen C4225291, MONDO:0014683, OMIM 616538.
Autosomal recessive limb-girdle muscular dystrophy type 2P. Also called: MUSCULAR DYSTROPHY, LIMB-GIRDLE, TYPE 2P; Limb-Girdle Muscular Dystrophy Type 9C; MUSCULAR DYSTROPHY-DYSTROGLYCANOPATHY, LIMB-GIRDLE, DAG1-RELATED. Identifiers: Orphanet 280333, MedGen C4511963, MONDO:0013440, OMIM 613818.

Allele frequency attached by ClinVar (database versions not stated): gnomAD exomes 0.00001 and 0.00002; ExAC 0.00002; gnomAD 0.00003 and 0.00004; TOPMed 0.00003.
gnomAD v4.1: 17 of 1,613,938 alleles (0.0011%); highest among the groups gnomAD compares: Middle Eastern, 0.016%; no homozygotes.

Submissions (4):

GeneDx
Classification: Uncertain significance. Last evaluated: 2024-12-23. Review status: criteria provided, single submitter. Criteria: GeneDx Variant Classification Process June 2021. Collection method: clinical testing. Allele origin: germline. Affected: yes.
Comment: Not observed at significant frequency in large population cohorts (gnomAD); In silico analysis supports that this missense variant has a deleterious effect on protein structure/function; This variant is associated with the following publications: (PMID: 37839516, 38474395, 30838779, 38616731, 37649129, 33200426, 30450679, 30564623)

Labcorp Genetics (formerly Invitae), Labcorp
Classification: Likely pathogenic for Autosomal recessive limb-girdle muscular dystrophy type 2P; Muscular dystrophy-dystroglycanopathy (congenital with brain and eye anomalies), type A9. Last evaluated: 2024-04-05. Review status: criteria provided, single submitter. Criteria: Invitae Variant Classification Sherloc (09022015). Collection method: clinical testing. Allele origin: germline.
Comment: This sequence change replaces arginine, which is basic and polar, with cysteine, which is neutral and slightly polar, at codon 776 of the DAG1 protein (p.Arg776Cys). This variant is present in population databases (rs752441031, gnomAD 0.009%). This missense change has been observed in individual(s) with autosomal recessive muscular dystrophy‐dystroglycanopathy (PMID: 30450679). It has also been observed to segregate with disease in related individuals. ClinVar contains an entry for this variant (Variation ID: 286590). Advanced modeling of protein sequence and biophysical properties (such as structural, functional, and spatial information, amino acid conservation, physicochemical variation, residue mobility, and thermodynamic stability) performed at Invitae indicates that this missense variant is expected to disrupt DAG1 protein function with a positive predictive value of 80%. In summary, the currently available evidence indicates that the variant is pathogenic, but additional data are needed to prove that conclusively. Therefore, this variant has been classified as Likely Pathogenic.

Women's Health and Genetics/Laboratory Corporation of America, LabCorp
Classification: Uncertain significance. Last evaluated: 2023-09-20. Review status: criteria provided, single submitter. Criteria: LabCorp Variant Classification Summary - May 2015. Collection method: clinical testing. Allele origin: germline.
Comment: Variant summary: DAG1 c.2326C>T (p.Arg776Cys) results in a non-conservative amino acid change located in the dystroglycan, C-terminal domain (IPR008465) of the encoded protein sequence. Four of five in-silico tools predict a damaging effect of the variant on protein function. The variant allele was found at a frequency of 2e-05 in 250800 control chromosomes (gnomAD). c.2326C>T has been reported in the literature in the homozygous state in two siblings from a consanguineous family, both affected with muscular dystrophy-dystroglycanopathy (Dai_2019). The variant segregated with the disease phenotype within this family, however both affected individuals exhibited a very mild and very slowly progressing phenotype with a late age of onset, in contrast to previous clinical reports of individuals affected with muscular dystrophydystroglycanopathy (limbgirdle), type C, 9 (MDDGC9). These data indicate that the variant may be associated with disease. To our knowledge, no experimental evidence demonstrating an impact on protein function has been reported. The following publications have been ascertained in the context of this evaluation (PMID: 30450679, 33200426). Two submitters have cited clinical-significance assessments for this variant to ClinVar after 2014. Both submitters classified the variant as uncertain significance. Based on the evidence outlined above, the variant was classified as VUS-possibly pathogenic.

Eurofins Ntd Llc (ga)
Classification: Uncertain significance. Last evaluated: 2016-03-10. Review status: criteria provided, single submitter. Criteria: EGL Classification Definitions 2015. Collection method: clinical testing. Allele origin: germline. Observed: 1 variant allele, 1 heterozygote.

Literature cited by the submitters: PubMed 30450679 (cited by Labcorp Genetics (formerly Invitae), Labcorp and Women's Health and Genetics/Laboratory Corporation of America, LabCorp); PubMed 33200426 (cited by Women's Health and Genetics/Laboratory Corporation of America, LabCorp).